The following is an entry in ClinVar:

NM_020366.4(RPGRIP1):c.3778A>G (p.Ile1260Val)

Gene: RPGRIP1 (RPGR interacting protein 1; plus strand). Cytogenetic location: 14q11.2.
Variant type: single nucleotide variant.
Coding change: c.3778A>G on transcript NM_020366.4 (MANE Select); coding-DNA position 3778, A replaced by G.
Protein change: p.Ile1260Val; replaces isoleucine 1260 with valine.
Molecular consequence: missense variant.
Genome position (GRCh38, 1-based): chr14:21,351,133, A>G. VCF-style: chr14-21351133-A-G. GRCh37 (hg19) VCF-style: chr14-21819292-A-G.
Other names: c.1756A>G, p.Ile586Val (NM_001377523.1, NM_001377950.1); c.2704A>G, p.Ile902Val (NM_001377948.1); c.1864A>G, p.Ile622Val (NM_001377949.1); c.1261A>G, p.Ile421Val (NM_001377951.1); short protein forms I421V, I622V, I902V, I1260V, I586V.
Identifiers: ClinVar variation 2939457 (VCV002939457.3), dbSNP rs767097826, ClinGen allele CA7089616.

ClinVar aggregate classification (germline): Uncertain significance (1 of 4 stars; one submission).

Conditions:
Cone-rod dystrophy 13 (CORD13). Identifiers: Orphanet 1872, MedGen C2750720, MONDO:0011987, OMIM 608194.
Leber congenital amaurosis 6 (LCA6). Identifiers: Orphanet 65, MedGen C1854260, MONDO:0013446, OMIM 613826.

Allele frequency attached by ClinVar (database versions not stated): gnomAD exomes below 0.00001; ExAC 0.00001.
gnomAD v4.1: 4 of 1,612,408 alleles (0.00025%); highest among the groups gnomAD compares: Non-Finnish European, 0.00034%; no homozygotes.

Submission:

Labcorp Genetics (formerly Invitae), Labcorp
Classification: Uncertain significance for Leber congenital amaurosis 6; Cone-rod dystrophy 13. Last evaluated: 2025-09-02. Review status: criteria provided, single submitter. Criteria: Invitae Variant Classification Sherloc (09022015). Collection method: clinical testing. Allele origin: germline.
Comment: This sequence change replaces isoleucine, which is neutral and non-polar, with valine, which is neutral and non-polar, at codon 1260 of the RPGRIP1 protein (p.Ile1260Val). This variant is present in population databases (rs767097826, gnomAD 0.0009%). This variant has not been reported in the literature in individuals affected with RPGRIP1-related conditions. ClinVar contains an entry for this variant (Variation ID: 2939457). Invitae Evidence Modeling of protein sequence and biophysical properties (such as structural, functional, and spatial information, amino acid conservation, physicochemical variation, residue mobility, and thermodynamic stability) has been performed for this missense variant. However, the output from this modeling did not meet the statistical confidence thresholds required to predict the impact of this variant on RPGRIP1 protein function. In summary, the available evidence is currently insufficient to determine the role of this variant in disease. Therefore, it has been classified as a Variant of Uncertain Significance.